The following is an entry in ClinVar:

NM_018699.4(PRDM5):c.1009C>T (p.Arg337Cys)

Gene: PRDM5 (PR/SET domain 5; minus strand). Cytogenetic location: 4q27.
Variant type: single nucleotide variant.
Coding change: c.1009C>T on transcript NM_018699.4 (MANE Select); coding-DNA position 1009, C replaced by T.
Protein change: p.Arg337Cys; replaces arginine 337 with cysteine.
Molecular consequence: missense variant.
Genome position (GRCh38, 1-based): chr4:120,799,682, G>A on the plus strand (C>T on the coding strand, the complement: PRDM5 is on the minus strand). VCF-style: chr4-120799682-G-A. GRCh37 (hg19) VCF-style: chr4-121720837-G-A.
Other names: c.916C>T, p.Arg306Cys (NM_001300823.2, NM_001300824.2, NM_001379106.1); c.1009C>T, p.Arg337Cys (NM_001379104.1); c.1009C>T (NM_018699.2); short protein forms R306C, R337C.
Identifiers: ClinVar variation 3357843 (VCV003357843.2).

ClinVar aggregate classification (germline): Uncertain significance. Review status: criteria provided, single submitter (1 of 4 stars). 2 submissions from 2 submitters: Uncertain significance (1). 1 of the submissions does not count toward it. Last evaluated 2025-05-24.

Conditions:
PRDM5-related disorder. Also called: PRDM5-related condition.
Cardiovascular phenotype. Identifiers: MedGen CN230736.

gnomAD v4.1: 14 of 1,612,736 alleles (0.00087%); highest among the groups gnomAD compares: Admixed American, 0.005%; no homozygotes.

Submissions (2):

Ambry Genetics
Classification: Uncertain significance for Cardiovascular phenotype. Last evaluated: 2025-05-24. Review status: criteria provided, single submitter. Criteria: Ambry Variant Classification Scheme 2023. Collection method: clinical testing. Allele origin: germline.
Comment: The p.R337C variant (also known as c.1009C>T), located in coding exon 9 of the PRDM5 gene, results from a C to T substitution at nucleotide position 1009. The arginine at codon 337 is replaced by cysteine, an amino acid with highly dissimilar properties. This amino acid position is conserved. In addition, the in silico prediction for this alteration is inconclusive. Based on the available evidence, the clinical significance of this variant remains unclear.

PreventionGenetics, part of Exact Sciences
Classification: Uncertain significance for PRDM5-related condition. Last evaluated: 2024-09-09. Review status: no assertion criteria provided. Collection method: clinical testing. Allele origin: germline. Not counted in ClinVar's aggregate classification.
Comment: The PRDM5 c.1009C>T variant is predicted to result in the amino acid substitution p.Arg337Cys. To our knowledge, this variant has not been reported in the literature. This variant is reported in 0.0058% of alleles in individuals of Latino descent in gnomAD. At this time, the clinical significance of this variant is uncertain due to the absence of conclusive functional and genetic evidence.